The following is an entry in ClinVar:

NM_000136.3(FANCC):c.778A>C (p.Lys260Gln)

Genes: AOPEP (aminopeptidase O (putative); plus strand), FANCC (FA complementation group C; minus strand). Cytogenetic location: 9q22.32.
Variant type: single nucleotide variant.
Coding change: c.778A>C on transcript NM_000136.3 (MANE Select); coding-DNA position 778, A replaced by C.
Protein change: p.Lys260Gln; replaces lysine 260 with glutamine.
Molecular consequence: missense variant.
Genome position (GRCh38, 1-based): chr9:95,135,411, T>G on the plus strand (A>C on the coding strand, the complement: FANCC is on the minus strand). VCF-style: chr9-95135411-T-G. GRCh37 (hg19) VCF-style: chr9-97897693-T-G.
Other names: c.778A>C, p.Lys260Gln (NM_001243743.2, NM_001243744.2); short protein forms K260Q.
Identifiers: ClinVar variation 5036467 (VCV005036467.1).
Genomic context (GRCh38, chr9:95,135,411, plus strand): 5'-ATGAATCTTTTATAAAGCATTCGATCCTTCTCAGACAATTTCTCTCACTGGAGATTAGCT[T>G]TTCAAAAAGATGCAGCATTGCTTTTTCAAGGCTGGGAAGGTGCCGAAGCCAGAGGCAGAC-3'
Protein context (NP_000127.2, residues 250-270): LEKAMLHLFE[Lys260Gln]LISSERNCLR

ClinVar aggregate classification (germline): Uncertain significance (1 of 4 stars; one submission).

Conditions:
Hereditary cancer-predisposing syndrome. Also called: Neoplastic Syndromes, Hereditary; Tumor predisposition; Hereditary neoplastic syndrome; Hereditary Cancer Syndrome. Identifiers: Orphanet 140162, MedGen C0027672, MeSH D009386, MONDO:0015356.

Submission:

Ambry Genetics
Classification: Uncertain significance for Hereditary cancer-predisposing syndrome. Last evaluated: 2026-06-26. Review status: criteria provided, single submitter. Criteria: Ambry Variant Classification Scheme 2023. Collection method: clinical testing. Allele origin: germline.
Comment: The p.K260Q variant (also known as c.778A>C), located in coding exon 7 of the FANCC gene, results from an A to C substitution at nucleotide position 778. The lysine at codon 260 is replaced by glutamine, an amino acid with similar properties. This amino acid position is conserved. In addition, this alteration is predicted to be tolerated by in silico analysis. Based on the available evidence, the clinical significance of this variant remains unclear.